The following is an entry in ClinVar:

ClinVar aggregate classification (germline): Uncertain significance (1 of 4 stars; one submission).

Conditions:
Inborn genetic diseases. Identifiers: MedGen C0950123, MeSH D030342.

gnomAD v4.1: 2 of 1,613,046 alleles (0.00012%); highest among the groups gnomAD compares: African/African-American, 0.0013%; no homozygotes.

Submission:

Ambry Genetics
Classification: Uncertain significance for Inborn genetic diseases. Last evaluated: 2025-05-16. Review status: criteria provided, single submitter. Criteria: Ambry Variant Classification Scheme 2023. Collection method: clinical testing. Allele origin: germline.
Comment: The c.1098+4C>T intronic variant results from a C to T substitution 4 nucleotides after coding exon 10 in the DDX41 gene. This nucleotide position is well conserved in available vertebrate species. In silico splice site analysis predicts that this alteration will not have any significant effect on splicing. Based on the available evidence, the clinical significance of this variant remains unclear.

NM_016222.4(DDX41):c.1098+4C>T

Gene: DDX41 (DEAD-box helicase 41; minus strand). Cytogenetic location: 5q35.3.
Variant type: single nucleotide variant.
Coding change: c.1098+4C>T on transcript NM_016222.4 (MANE Select); 4 bases into the intron after coding-DNA position 1098, C replaced by T.
Molecular consequence: intron variant.
Genome position (GRCh38, 1-based): chr5:177,513,681, G>A on the plus strand (C>T on the coding strand, the complement: DDX41 is on the minus strand). VCF-style: chr5-177513681-G-A. GRCh37 (hg19) VCF-style: chr5-176940682-G-A.
Other names: c.720+4C>T (NM_001321830.2, NM_001321732.2).
Identifiers: ClinVar variation 4010345 (VCV004010345.1).
Genomic context (GRCh38, chr5:177,513,681, plus strand): 5'-TGCAGTCTGATGTGGCGTGCAGTGGGGGGCGGTGCAGGGTGCCCTGGCCGGGCGGGGGCG[G>A]CACCTTGAAGTAGGAGAAGATGGTACGGATGTCACCCTCGAAGCCCATGTCGATCATGCG-3'